The following is an entry in ClinVar:

NM_000400.4(ERCC2):c.2215C>G (p.Leu739Val)

Gene: ERCC2 (ERCC excision repair 2, TFIIH core complex helicase subunit; minus strand). Cytogenetic location: 19q13.32.
Variant type: single nucleotide variant.
Coding change: c.2215C>G on transcript NM_000400.4 (MANE Select); coding-DNA position 2215, C replaced by G.
Protein change: p.Leu739Val; replaces leucine 739 with valine.
Molecular consequence: missense variant.
Genome position (GRCh38, 1-based): chr19:45,351,697, G>C on the plus strand (C>G on the coding strand, the complement: ERCC2 is on the minus strand). VCF-style: chr19-45351697-G-C. GRCh37 (hg19) VCF-style: chr19-45854955-G-C.
Other names: short protein forms L739V.
Identifiers: ClinVar variation 1787824 (VCV001787824.2), dbSNP rs199922063, ClinGen allele CA406360523.

ClinVar aggregate classification (germline): Uncertain significance (1 of 4 stars; one submission).

Conditions:
Inborn genetic diseases. Identifiers: MedGen C0950123, MeSH D030342.

Allele frequency attached by ClinVar (database versions not stated): gnomAD exomes below 0.00001; TOPMed below 0.00001.
gnomAD v4.1: 1 of 1,613,926 alleles (0.000062%); highest among the groups gnomAD compares: Non-Finnish European, 0.000085%; no homozygotes.

Submission:

Ambry Genetics
Classification: Uncertain significance for Inborn genetic diseases. Last evaluated: 2022-07-05. Review status: criteria provided, single submitter. Criteria: Ambry Variant Classification Scheme 2023. Collection method: clinical testing. Allele origin: germline.
Comment: The p.L739V variant (also known as c.2215C>G), located in coding exon 23 of the ERCC2 gene, results from a C to G substitution at nucleotide position 2215. The leucine at codon 739 is replaced by valine, an amino acid with highly similar properties. This amino acid position is conserved. In addition, the in silico prediction for this alteration is inconclusive. Since supporting evidence is limited at this time, the clinical significance of this alteration remains unclear.